The following is an entry in ClinVar:

NM_000017.4(ACADS):c.152A>G (p.Lys51Arg)

Gene: ACADS (acyl-CoA dehydrogenase short chain; plus strand). Cytogenetic location: 12q24.31.
Variant type: single nucleotide variant.
Coding change: c.152A>G on transcript NM_000017.4 (MANE Select); coding-DNA position 152, A replaced by G.
Protein change: p.Lys51Arg; replaces lysine 51 with arginine.
Molecular consequence: missense variant.
Genome position (GRCh38, 1-based): chr12:120,727,131, A>G. VCF-style: chr12-120727131-A-G. GRCh37 (hg19) VCF-style: chr12-121164934-A-G.
Other names: c.152A>G, p.Lys51Arg (NM_001302554.2); short protein forms K51R.
Identifiers: ClinVar variation 2414742 (VCV002414742.6), dbSNP rs1883110342, ClinGen allele CA386613150.
Genomic context (GRCh38, chr12:120,727,131, plus strand): 5'-CTGTGGAACTGCCCGAGACACACCAGATGTTGCTCCAGACATGCCGGGACTTTGCCGAGA[A>G]GGAGTTGTTTCCCATTGCAGCCCAGGTGGATAAGGAACATCTCTTCCCAGCGGCTCAGGT-3'
Protein context (NP_000008.1, residues 41-61): LLQTCRDFAE[Lys51Arg]ELFPIAAQVD

ClinVar aggregate classification (germline): Uncertain significance (1 of 4 stars; one submission).

Conditions:
Deficiency of butyryl-CoA dehydrogenase (ACADSD). Also called: ACYL-CoA DEHYDROGENASE, SHORT-CHAIN, DEFICIENCY OF; SCAD Deficiency; SCAD DEFICIENCY, MILD; ACADS DEFICIENCY; Short-Chain Acyl-CoA Dehydrogenase Deficiency; SCADH DEFICIENCY. Identifiers: Orphanet 26792, MedGen C0342783, MONDO:0008722, OMIM 201470. Disease mechanism: May be benign.

Allele frequency attached by ClinVar (database versions not stated): gnomAD exomes below 0.00001; TOPMed below 0.00001.
gnomAD v4.1: 1 of 1,614,188 alleles (0.000062%); highest among the groups gnomAD compares: African/African-American, 0.0013%; no homozygotes.

Submission:

Labcorp Genetics (formerly Invitae), Labcorp
Classification: Uncertain significance for Deficiency of butyryl-CoA dehydrogenase. Last evaluated: 2024-02-24. Review status: criteria provided, single submitter. Criteria: Invitae Variant Classification Sherloc (09022015). Collection method: clinical testing. Allele origin: germline.
Comment: This sequence change replaces lysine, which is basic and polar, with arginine, which is basic and polar, at codon 51 of the ACADS protein (p.Lys51Arg). This variant is not present in population databases (gnomAD no frequency). This variant has not been reported in the literature in individuals affected with ACADS-related conditions. ClinVar contains an entry for this variant (Variation ID: 2414742). Advanced modeling of protein sequence and biophysical properties (such as structural, functional, and spatial information, amino acid conservation, physicochemical variation, residue mobility, and thermodynamic stability) has been performed at Invitae for this missense variant, however the output from this modeling did not meet the statistical confidence thresholds required to predict the impact of this variant on ACADS protein function. In summary, the available evidence is currently insufficient to determine the role of this variant in disease. Therefore, it has been classified as a Variant of Uncertain Significance.